The following is an entry in ClinVar:

NM_007294.4(BRCA1):c.2215_2216insCT (p.Lys739fs)

Gene: BRCA1 (BRCA1 DNA repair associated; minus strand). Cytogenetic location: 17q21.31.
Variant type: Insertion.
Coding change: c.2215_2216insCT on transcript NM_007294.4 (MANE Select); coding-DNA positions 2215 to 2216, CT inserted.
Protein change: p.Lys739fs; shifts the reading frame from lysine 739.
Molecular consequence: frameshift variant. On other transcripts: intron variant (137).
Genome position: GRCh38 VCF-style: chr17-43093315-T-TAG. GRCh37 (hg19) VCF-style: chr17-41245332-T-TAG.
Other names: 2334insCT; c.2092_2093insCT, p.Lys698fs (NM_001407682.1, NM_001407683.1, NM_001407863.1 and 19 more transcripts); c.2215_2216insCT, p.Lys739fs (NM_001407684.1, NM_001407854.1, NM_001407858.1 and 30 more transcripts); c.2089_2090insCT, p.Lys697fs (NM_001407685.1, NM_001407686.1, NM_001407687.1 and 11 more transcripts); c.2074_2075insCT, p.Lys692fs (NM_001407692.1, NM_001407694.1, NM_001407695.1 and 29 more transcripts); c.2071_2072insCT, p.Lys691fs (NM_001407740.1, NM_001407741.1, NM_001407742.1 and 20 more transcripts); c.2002_2003insCT, p.Lys668fs (NM_001407853.1, NM_001407894.1, NM_001407895.1 and 9 more transcripts); c.2212_2213insCT, p.Lys738fs (NM_001407860.1, NM_001407861.1, NM_001407587.1 and 22 more transcripts); and 42 more; short protein forms K739fs, K692fs, K443fs, K669fs, K612fs, K671fs, K672fs, K713fs.
Identifiers: ClinVar variation 125547 (VCV000125547.14), dbSNP rs80357930, ClinGen allele CA001483.

ClinVar aggregate classification (germline): Pathogenic. Review status: reviewed by expert panel (3 of 4 stars). 5 submissions from 5 submitters: Pathogenic (1). 4 of the submissions do not count toward it. Last evaluated 2016-09-08.

Conditions:
Hereditary cancer-predisposing syndrome. Also called: Tumor predisposition; Hereditary neoplastic syndrome; Hereditary Cancer Syndrome; Neoplastic Syndromes, Hereditary. Identifiers: Orphanet 140162, MedGen C0027672, MeSH D009386, MONDO:0015356.
Hereditary breast ovarian cancer syndrome. Also called: Hereditary breast and/or ovarian cancer syndrome; Breast and ovarian cancer; Hereditary breast and ovarian cancer syndrome; Hereditary breast and ovarian cancer; Hereditary breast and ovarian cancer syndrome (HBOC); BRCA1- and BRCA2-Associated Hereditary Breast and Ovarian Cancer. Identifiers: Orphanet 145, MedGen C0677776, MeSH D061325, MONDO:0003582. Disease mechanism: loss of function.
Breast-ovarian cancer, familial, susceptibility to, 1 (BROVCA1). Also called: BRCA1 Hereditary Breast and Ovarian Cancer; OVARIAN CANCER, SUSCEPTIBILITY TO. Identifiers: Orphanet 145, MedGen C2676676, MONDO:0011450, OMIM 604370. Disease mechanism: loss of function.

Allele frequency attached by ClinVar (database versions not stated): gnomAD exomes below 0.00001; ExAC 0.00001.

Submissions (5):

Evidence-based Network for the Interpretation of Germline Mutant Alleles (ENIGMA)
Classification: Pathogenic for Breast-ovarian cancer, familial, susceptibility to, 1. Last evaluated: 2016-09-08. Review status: reviewed by expert panel. Criteria: ENIGMA BRCA1/2 Classification Criteria (2015). Collection method: curation. Allele origin: germline.
Comment: Variant allele predicted to encode a truncated non-functional protein.

Ambry Genetics
Classification: Pathogenic for Hereditary cancer-predisposing syndrome. Last evaluated: 2026-01-15. Review status: criteria provided, single submitter. Criteria: Ambry Variant Classification Scheme 2023. Collection method: clinical testing. Allele origin: germline. Not counted in ClinVar's aggregate classification.
Comment: The c.2215_2216insCT pathogenic mutation, located in coding exon 9 of the BRCA1 gene, results from an insertion of two nucleotides at position 2215, causing a translational frameshift with a predicted alternate stop codon (p.K739Tfs*15). This alteration is expected to result in loss of function by premature protein truncation or nonsense-mediated mRNA decay. As such, this alteration is interpreted as a disease-causing mutation.

Labcorp Genetics (formerly Invitae), Labcorp
Classification: Pathogenic for Hereditary breast ovarian cancer syndrome. Last evaluated: 2022-02-25. Review status: criteria provided, single submitter. Criteria: Invitae Variant Classification Sherloc (09022015). Collection method: clinical testing. Allele origin: germline. Not counted in ClinVar's aggregate classification.
Comment: This sequence change creates a premature translational stop signal (p.Lys739Thrfs*15) in the BRCA1 gene. It is expected to result in an absent or disrupted protein product. Loss-of-function variants in BRCA1 are known to be pathogenic (PMID: 20104584). This premature translational stop signal has been observed in individual(s) with clinical features of BRCA1-related conditions (PMID: 21520333). ClinVar contains an entry for this variant (Variation ID: 125547). For these reasons, this variant has been classified as Pathogenic. This variant is present in population databases (rs80357930, gnomAD 0.0009%).

Consortium of Investigators of Modifiers of BRCA1/2 (CIMBA), c/o University of Cambridge
Classification: Pathogenic for Breast-ovarian cancer, familial, susceptibility to, 1. Last evaluated: 2015-10-02. Review status: criteria provided, single submitter. Criteria: CIMBA Mutation Classification guidelines May 2016. Collection method: clinical testing. Allele origin: germline. Not counted in ClinVar's aggregate classification.

Breast Cancer Information Core (BIC) (BRCA1)
Classification: Pathogenic for Breast-ovarian cancer, familial 1. Last evaluated: 1997-11-14. Review status: no assertion criteria provided. Collection method: clinical testing. Allele origin: germline. Affected: yes. Observed: 2 variant alleles. Not counted in ClinVar's aggregate classification.

Literature cited by the submitters: PubMed 20104584 (cited by Labcorp Genetics (formerly Invitae), Labcorp); PubMed 21520333 (cited by Labcorp Genetics (formerly Invitae), Labcorp).